The following is an entry in ClinVar:

NM_001042492.3(NF1):c.5273G>A (p.Gly1758Asp)

Gene: NF1 (neurofibromin 1; plus strand). Cytogenetic location: 17q11.2.
Variant type: single nucleotide variant.
Coding change: c.5273G>A on transcript NM_001042492.3 (MANE Select); coding-DNA position 5273, G replaced by A.
Protein change: p.Gly1758Asp; replaces glycine 1758 with aspartic acid.
Molecular consequence: missense variant.
Genome position (GRCh38, 1-based): chr17:31,327,503, G>A. VCF-style: chr17-31327503-G-A. GRCh37 (hg19) VCF-style: chr17-29654521-G-A.
Other names: c.5210G>A, p.Gly1737Asp (NM_000267.4); short protein forms G1758D, G1737D.
Identifiers: ClinVar variation 951949 (VCV000951949.6), dbSNP rs1358882546, ClinGen allele CA399008878.

ClinVar aggregate classification (germline): Uncertain significance (1 of 4 stars; one submission).

Conditions:
Neurofibromatosis, type 1 (NF1). Also called: VON RECKLINGHAUSEN DISEASE; NEUROFIBROMATOSIS, TYPE I, SOMATIC; Peripheral type neurofibromatosis; Neurofibromatosis, type I. Identifiers: Orphanet 636, MedGen C0027831, MONDO:0018975, OMIM 162200. Disease mechanism: loss of function.

Submission:

Labcorp Genetics (formerly Invitae), Labcorp
Classification: Uncertain significance for Neurofibromatosis, type 1. Last evaluated: 2024-10-29. Review status: criteria provided, single submitter. Criteria: Invitae Variant Classification Sherloc (09022015). Collection method: clinical testing. Allele origin: germline.
Comment: This sequence change replaces glycine, which is neutral and non-polar, with aspartic acid, which is acidic and polar, at codon 1737 of the NF1 protein (p.Gly1737Asp). This variant is not present in population databases (gnomAD no frequency). This variant has not been reported in the literature in individuals affected with NF1-related conditions. ClinVar contains an entry for this variant (Variation ID: 951949). Invitae Evidence Modeling of protein sequence and biophysical properties (such as structural, functional, and spatial information, amino acid conservation, physicochemical variation, residue mobility, and thermodynamic stability) indicates that this missense variant is expected to disrupt NF1 protein function with a positive predictive value of 95%. In summary, the available evidence is currently insufficient to determine the role of this variant in disease. Therefore, it has been classified as a Variant of Uncertain Significance.